The following is an entry in ClinVar:

ClinVar aggregate classification (germline): Uncertain significance (0 of 4 stars; one submission).

Conditions:
Polymerase proofreading-related adenomatous polyposis. Also called: Polymerase proofreading associated polyposis; Polymerase proofreading–associated polyposis (PPAP). Identifiers: Orphanet 447877, MedGen C5202613, MONDO:0018653.

Submission:

Department of Pathology and Laboratory Medicine, Sinai Health System
Classification: Uncertain significance for Polymerase proofreading-related adenomatous polyposis. Review status: no assertion criteria provided. Collection method: clinical testing. Allele origin: unknown. Affected: yes. Study: The Canadian Open Genetics Repository (COGR).
Comment: The POLE p.Ile1716Ser variant was not identified in the literature nor was it identified in the dbSNP, or ClinVar, databases. The variant was not identified in the following control databases: the Exome Aggregation Consortium (August 8th 2016), or the Genome Aggregation Database (Feb 27, 2017). The p.Ile1716 residue is conserved in mammals but not in more distantly related organisms, and four out of five computational analyses (PolyPhen-2, SIFT, AlignGVGD, BLOSUM, MutationTaster) suggest that the I variant may impact the protein; however, this information is not predictive enough to assume pathogenicity. The variant occurs outside of the splicing consensus sequence and in silico or computational prediction software programs (SpliceSiteFinder, MaxEntScan, NNSPLICE, GeneSplicer) do not predict a difference in splicing. In summary, based on the above information the clinical significance of this variant cannot be determined with certainty at this time. This variant is classified as a variant of uncertain significance.

NM_006231.4(POLE):c.5147T>G (p.Ile1716Ser)

Gene: POLE (DNA polymerase epsilon, catalytic subunit; minus strand). Cytogenetic location: 12q24.33.
Variant type: single nucleotide variant.
Coding change: c.5147T>G on transcript NM_006231.4 (MANE Select); coding-DNA position 5147, T replaced by G.
Protein change: p.Ile1716Ser; replaces isoleucine 1716 with serine.
Molecular consequence: missense variant.
Genome position (GRCh38, 1-based): chr12:132,642,203, A>C on the plus strand (T>G on the coding strand, the complement: POLE is on the minus strand). VCF-style: chr12-132642203-A-C. GRCh37 (hg19) VCF-style: chr12-133218789-A-C.
Other names: short protein forms I1716S.
Identifiers: ClinVar variation 1049238 (VCV001049238.1), dbSNP rs2042160664, ClinGen allele CA387376704.